The following is an entry in ClinVar:

ClinVar aggregate classification (germline): Likely pathogenic (1 of 4 stars; one submission).

Conditions:
Marfan syndrome (MFS). Also called: FBN1-Related Marfan Syndrome; MARFAN SYNDROME, TYPE I; Marfan syndrome type 1; Marfan's syndrome; Marfan syndrome, classic. Identifiers: Orphanet 284963, Orphanet 558, MedGen C0024796, MONDO:0007947, OMIM 154700.
Familial thoracic aortic aneurysm and aortic dissection (TAAD). Also called: Thoracic aortic aneurysms and dissections. Identifiers: Orphanet 91387, MedGen C4707243, MONDO:0019625.

Submission:

Labcorp Genetics (formerly Invitae), Labcorp
Classification: Likely pathogenic for Marfan syndrome; Familial thoracic aortic aneurysm and aortic dissection. Last evaluated: 2023-05-24. Review status: criteria provided, single submitter. Criteria: Invitae Variant Classification Sherloc (09022015). Collection method: clinical testing. Allele origin: germline.
Comment: This missense change has been observed in individual(s) with clinical features of Marfan syndrome (Invitae). This variant is not present in population databases (gnomAD no frequency). This sequence change replaces glycine, which is neutral and non-polar, with cysteine, which is neutral and slightly polar, at codon 560 of the FBN1 protein (p.Gly560Cys). ClinVar contains an entry for this variant (Variation ID: 1066814). In summary, the currently available evidence indicates that the variant is pathogenic, but additional data are needed to prove that conclusively. Therefore, this variant has been classified as Likely Pathogenic. Advanced modeling of protein sequence and biophysical properties (such as structural, functional, and spatial information, amino acid conservation, physicochemical variation, residue mobility, and thermodynamic stability) performed at Invitae indicates that this missense variant is expected to disrupt FBN1 protein function.

NM_000138.5(FBN1):c.1678G>T (p.Gly560Cys)

Gene: FBN1 (fibrillin 1; minus strand). Cytogenetic location: 15q21.1.
Variant type: single nucleotide variant.
Coding change: c.1678G>T on transcript NM_000138.5 (MANE Select); coding-DNA position 1678, G replaced by T.
Protein change: p.Gly560Cys; replaces glycine 560 with cysteine.
Molecular consequence: missense variant.
Genome position (GRCh38, 1-based): chr15:48,510,080, C>A on the plus strand (G>T on the coding strand, the complement: FBN1 is on the minus strand). VCF-style: chr15-48510080-C-A. GRCh37 (hg19) VCF-style: chr15-48802277-C-A.
Other names: short protein forms G560C.
Identifiers: ClinVar variation 1066814 (VCV001066814.9), dbSNP rs1064794283, ClinGen allele CA392341010.